The following is an entry in ClinVar:

NM_000448.3(RAG1):c.1064T>C (p.Met355Thr)

Gene: RAG1 (recombination activating 1; plus strand). Cytogenetic location: 11p12.
Variant type: single nucleotide variant.
Coding change: c.1064T>C on transcript NM_000448.3 (MANE Select); coding-DNA position 1064, T replaced by C.
Protein change: p.Met355Thr; replaces methionine 355 with threonine.
Molecular consequence: missense variant.
Genome position (GRCh38, 1-based): chr11:36,574,368, T>C. VCF-style: chr11-36574368-T-C. GRCh37 (hg19) VCF-style: chr11-36595918-T-C.
Other names: NM_000448.3(RAG1):c.1064T>C; p.Met355Thr; c.1064T>C, p.Met355Thr (NM_001377277.1, NM_001377278.1, NM_001377279.1 and 1 more transcripts); short protein forms M355T.
Identifiers: ClinVar variation 583401 (VCV000583401.17), dbSNP rs151077440, ClinGen allele CA5950092.

ClinVar aggregate classification (germline): Uncertain significance. Review status: reviewed by expert panel (3 of 4 stars). 6 submissions from 5 submitters: Uncertain significance (1). 5 of the submissions do not count toward it. Last evaluated 2024-02-12.

Conditions:
Combined immunodeficiency due to partial RAG1 deficiency. Identifiers: Orphanet 231154, MedGen C1835931, MONDO:0012359, OMIM 609889.
Severe combined immunodeficiency, autosomal recessive, T cell-negative, B cell-negative, NK cell-positive. Also called: Severe combined immunodeficiency due to complete RAG1/2 deficiency; SCID, T CELL-NEGATIVE, B CELL-NEGATIVE, NK CELL-POSITIVE; SCID, AR, T-cell negative, B-cell negative, NK cell-positive. Identifiers: Orphanet 331206, MedGen C1832322, MONDO:0011086, OMIM 601457.
Histiocytic medullary reticulosis. Also called: Omenn syndrome; SEVERE COMBINED IMMUNODEFICIENCY WITH HYPEREOSINOPHILIA. Identifiers: Orphanet 39041, MedGen C2700553, MONDO:0011338, OMIM 603554.
Combined immunodeficiency with skin granulomas. Identifiers: Orphanet 157949, MedGen C2673536, MONDO:0009306, OMIM 233650.
Recombinase activating gene 1 deficiency. Identifiers: MedGen CN375631, MONDO:0000572.

Allele frequency attached by ClinVar (database versions not stated): gnomAD exomes 0.00012 and 0.00014; ExAC 0.00014; ESP Exome Variant Server 0.00015; gnomAD 0.00021 and 0.00023; TOPMed 0.00035.
gnomAD v4.1: 220 of 1,614,196 alleles (0.014%); highest among the groups gnomAD compares: Middle Eastern, 0.18%; no homozygotes.

Submissions (6):

ClinGen Severe Combined Immunodeficiency Variant Curation Expert Panel, ClinGen
Classification: Uncertain significance for Recombinase activating gene 1 deficiency. Last evaluated: 2024-02-12. Review status: reviewed by expert panel. Criteria: ClinGen SCID ACMG Specifications RAG1 V1.0.0. Collection method: curation. Allele origin: germline. Inheritance: Autosomal recessive inheritance.
Comment: NM_000448.3(RAG1):c.1064T>C is a missense variant predicted to cause substitution of Methionine by Threonine at amino acid 355 (p.Met355Thr).The highest population minor allele frequency in gnomAD v4 is 0.001815 (11/6062) in Middle Eastern population. (PM2_Supporting, BS1, and BA1 are not met). There are no publications for this variant in the literature. In summary, this variant meets the criteria to be classified as a variant of uncertain significance for autosomal recessive severe combined immunodeficiency due to RAG1 deficiency based on the ACMG/AMP criteria applied, as specified by the ClinGen SCID VCEP: No criteria met (VCEP specifications version 1).

Labcorp Genetics (formerly Invitae), Labcorp
Classification: Likely benign for Combined immunodeficiency with skin granulomas; Severe combined immunodeficiency, autosomal recessive, T cell-negative, B cell-negative, NK cell-positive. Last evaluated: 2026-01-19. Review status: criteria provided, single submitter. Criteria: Invitae Variant Classification Sherloc (09022015). Collection method: clinical testing. Allele origin: germline. Not counted in ClinVar's aggregate classification.

Blueprint Genetics
Classification: Likely benign. Last evaluated: 2024-10-02. Review status: criteria provided, single submitter. Criteria: ACMG Guidelines, 2015. Collection method: clinical testing. Allele origin: germline. Not counted in ClinVar's aggregate classification.

Fulgent Genetics
Classification: Uncertain significance for Combined immunodeficiency with skin granulomas; Severe combined immunodeficiency, autosomal recessive, T cell-negative, B cell-negative, NK cell-positive; Histiocytic medullary reticulosis; Combined immunodeficiency due to partial RAG1 deficiency. Last evaluated: 2018-10-31. Review status: criteria provided, single submitter. Criteria: ACMG Guidelines, 2015. Collection method: clinical testing. Allele origin: unknown. Not counted in ClinVar's aggregate classification.

Illumina Laboratory Services, Illumina
Classification: Uncertain significance for Histiocytic medullary reticulosis. Last evaluated: 2017-04-28. Review status: criteria provided, single submitter. Criteria: ICSL Variant Classification Criteria 13 December 2019. Collection method: clinical testing. Allele origin: germline. Not counted in ClinVar's aggregate classification.
Comment: This variant was observed as part of a predisposition screen in an ostensibly healthy population. A literature search was performed for the gene, cDNA change, and amino acid change (where applicable). Publications were found based on this search. However, the evidence from the literature, in combination with allele frequency data from public databases where available, was not sufficient to rule this variant in or out of causing disease. Therefore, this variant is classified as a variant of unknown significance.

Illumina Laboratory Services, Illumina
Classification: Uncertain significance for Severe combined immunodeficiency, autosomal recessive, T cell-negative, B cell-negative, NK cell-positive. Last evaluated: 2017-04-28. Review status: criteria provided, single submitter. Criteria: ICSL Variant Classification Criteria 13 December 2019. Collection method: clinical testing. Allele origin: germline. Not counted in ClinVar's aggregate classification.

Literature cited by the submitters: PubMed 25976673 (cited by Illumina Laboratory Services, Illumina).